The following is an entry in ClinVar:

NM_007078.3(LDB3):c.722G>A (p.Ser241Asn)

Gene: LDB3 (LIM domain binding 3; plus strand). Cytogenetic location: 10q23.2.
Variant type: single nucleotide variant.
Coding change: c.722G>A on transcript NM_007078.3 (MANE Select); coding-DNA position 722, G replaced by A.
Protein change: p.Ser241Asn; replaces serine 241 with asparagine.
Molecular consequence: missense variant.
Genome position (GRCh38, 1-based): chr10:86,691,928, G>A. VCF-style: chr10-86691928-G-A. GRCh37 (hg19) VCF-style: chr10-88451685-G-A.
Other names: c.581G>A, p.Ser194Asn (NM_001080114.2, NM_001080116.1, NM_001368066.1 and 2 more transcripts); c.722G>A, p.Ser241Asn (NM_001080115.2, NM_001368063.1, NM_001368064.1 and 1 more transcripts); c.926G>A, p.Ser309Asn (NM_001171610.2, NM_001171611.2); short protein forms S309N, S194N, S241N.
Identifiers: ClinVar variation 2008414 (VCV002008414.4), dbSNP rs2492676996, ClinGen allele CA377442900.

ClinVar aggregate classification (germline): Uncertain significance (1 of 4 stars; one submission).

Conditions:
Myofibrillar myopathy 4. Also called: Zaspopathy (type). Identifiers: Orphanet 98912, MedGen C4721886, MONDO:0012277, OMIM 609452.

Allele frequency attached by ClinVar (database versions not stated): gnomAD exomes 0.00001.

Submission:

Labcorp Genetics (formerly Invitae), Labcorp
Classification: Uncertain significance for Myofibrillar myopathy 4. Last evaluated: 2022-06-19. Review status: criteria provided, single submitter. Criteria: Invitae Variant Classification Sherloc (09022015). Collection method: clinical testing. Allele origin: germline.
Comment: In summary, the available evidence is currently insufficient to determine the role of this variant in disease. Therefore, it has been classified as a Variant of Uncertain Significance. Algorithms developed to predict the effect of missense changes on protein structure and function (SIFT, PolyPhen-2, Align-GVGD) all suggest that this variant is likely to be tolerated. This variant has not been reported in the literature in individuals affected with LDB3-related conditions. This variant is not present in population databases (gnomAD no frequency). This sequence change replaces serine, which is neutral and polar, with asparagine, which is neutral and polar, at codon 194 of the LDB3 protein (p.Ser194Asn).